The following is an entry in ClinVar:

NM_020070.4(IGLL1):c.594C>T (p.His198=)

Gene: IGLL1 (immunoglobulin lambda like polypeptide 1; minus strand). Cytogenetic location: 22q11.23.
Variant type: single nucleotide variant.
Coding change: c.594C>T on transcript NM_020070.4 (MANE Select); coding-DNA position 594, C replaced by T.
Protein change: p.His198=; no amino-acid change (histidine 198 retained).
Molecular consequence: synonymous variant. On other transcripts: 3 prime UTR variant (1).
Genome position (GRCh38, 1-based): chr22:23,573,314, G>A on the plus strand (C>T on the coding strand, the complement: IGLL1 is on the minus strand). VCF-style: chr22-23573314-G-A. GRCh37 (hg19) VCF-style: chr22-23915501-G-A.
Other names: c.597C>T, p.His199= (NM_001369906.1); c.*223C>T (NM_152855.3).
Identifiers: ClinVar variation 712794 (VCV000712794.39), dbSNP rs1064418, ClinGen allele CA10143215.

ClinVar aggregate classification (germline): Likely benign. Review status: criteria provided, multiple submitters, no conflicts (2 of 4 stars). 3 submissions from 3 submitters: Likely benign (3). Last evaluated 2026-08-01.

Conditions:
Agammaglobulinemia 2, autosomal recessive (AGM2). Also called: AGAMMAGLOBULINEMIA, AUTOSOMAL RECESSIVE, DUE TO IGLL1 DEFECT. Identifiers: MedGen C3150750, MONDO:0013287, OMIM 613500.

Allele frequency attached by ClinVar (database versions not stated): gnomAD 0.00038; 1000 Genomes Project 0.00040; 1000 Genomes Project 30x 0.00047.
gnomAD v4.1: 406 of 1,612,900 alleles (0.025%); highest among the groups gnomAD compares: Admixed American, 0.077%; 2 homozygotes.

Submissions (3):

CeGaT Center for Human Genetics Tuebingen
Classification: Likely benign. Last evaluated: 2026-08-01. Review status: criteria provided, single submitter. Criteria: CeGaT Center For Human Genetics Tuebingen Variant Classification Criteria Version 2. Collection method: clinical testing. Allele origin: germline. Affected: yes. Observed: 3 variant alleles.
Comment: IGLL1: BP4, BP7

Labcorp Genetics (formerly Invitae), Labcorp
Classification: Likely benign for Agammaglobulinemia 2, autosomal recessive. Last evaluated: 2025-12-09. Review status: criteria provided, single submitter. Criteria: Invitae Variant Classification Sherloc (09022015). Collection method: clinical testing. Allele origin: germline.

Blueprint Genetics
Classification: Likely benign. Last evaluated: 2024-09-16. Review status: criteria provided, single submitter. Criteria: ACMG Guidelines, 2015. Collection method: clinical testing. Allele origin: germline.